The following is an entry in ClinVar:

NM_024334.3(TMEM43):c.649G>A (p.Asp217Asn)

Gene: TMEM43 (transmembrane protein 43; plus strand). Cytogenetic location: 3p25.1.
Variant type: single nucleotide variant.
Coding change: c.649G>A on transcript NM_024334.3 (MANE Select); coding-DNA position 649, G replaced by A.
Protein change: p.Asp217Asn; replaces aspartic acid 217 with asparagine.
Molecular consequence: missense variant.
Genome position (GRCh38, 1-based): chr3:14,134,835, G>A. VCF-style: chr3-14134835-G-A. GRCh37 (hg19) VCF-style: chr3-14176335-G-A.
Other names: short protein forms D217N.
Identifiers: ClinVar variation 1171483 (VCV001171483.6), dbSNP rs2124990891, ClinGen allele CA351535561.

ClinVar aggregate classification (germline): Uncertain significance. Review status: criteria provided, multiple submitters, no conflicts (2 of 4 stars). 3 submissions from 3 submitters: Uncertain significance (3). Last evaluated 2024-03-07.

Conditions:
Cardiovascular phenotype. Identifiers: MedGen CN230736.
Arrhythmogenic right ventricular dysplasia 5. Also called: Arrhythmogenic Right Ventricular Dysplasia/Cardiomyopathy 5; ARRHYTHMOGENIC RIGHT VENTRICULAR DYSPLASIA, FAMILIAL, 5. Identifiers: MedGen C1858379, MONDO:0011459, OMIM 604400.
Cardiomyopathy (CMYO). Also called: Cardiomyopathies. Identifiers: Orphanet 167848, MedGen C0878544, MONDO:0004994, HP:0001638. Inheritance: Various modes of inheritance.

Allele frequency attached by ClinVar (database versions not stated): gnomAD exomes below 0.00001.

Submissions (3):

Color Diagnostics, LLC DBA Color Health
Classification: Uncertain significance for Cardiomyopathy. Last evaluated: 2024-03-07. Review status: criteria provided, single submitter. Criteria: ACMG Guidelines, 2015. Collection method: clinical testing. Allele origin: germline.
Comment: This missense variant replaces aspartic acid with asparagine at codon 217 of the TMEM43 protein. Computational prediction suggests that this variant may not impact protein structure and function (internally defined REVEL score threshold <= 0.5, PMID: 27666373). To our knowledge, functional studies have not been reported for this variant. This variant has not been reported in individuals affected with cardiovascular disorders in the literature. This variant has not been identified in the general population by the Genome Aggregation Database (gnomAD). The available evidence is insufficient to determine the role of this variant in disease conclusively. Therefore, this variant is classified as a Variant of Uncertain Significance.

All of Us Research Program, National Institutes of Health
Classification: Uncertain significance for Arrhythmogenic right ventricular dysplasia 5. Last evaluated: 2023-08-15. Review status: criteria provided, single submitter. Criteria: ACMG Guidelines, 2015. Collection method: clinical testing. Allele origin: germline. Inheritance: Autosomal dominant inheritance. Observed: 1 variant allele, 1 heterozygote.
Comment: This missense variant replaces aspartic acid with asparagine at codon 217 of the TMEM43 protein. Computational prediction suggests that this variant may not impact protein structure and function (internally defined REVEL score threshold <= 0.5, PMID: 27666373). To our knowledge, functional studies have not been reported for this variant. This variant has not been reported in individuals affected with cardiovascular disorders in the literature. This variant has not been identified in the general population by the Genome Aggregation Database (gnomAD). The available evidence is insufficient to determine the role of this variant in disease conclusively. Therefore, this variant is classified as a Variant of Uncertain Significance.

This study involves interpretation of variants in research participants for the purpose of population health screening. Participant phenotype was not available at the time of variant classification. Additional details can be found in publication PMID: 35346344, PMCID: PMC8962531

Ambry Genetics
Classification: Uncertain significance for Cardiovascular phenotype. Last evaluated: 2019-08-08. Review status: criteria provided, single submitter. Criteria: Ambry Variant Classification Scheme 2023. Collection method: clinical testing. Allele origin: germline.
Comment: The p.D217N variant (also known as c.649G>A), located in coding exon 8 of the TMEM43 gene, results from a G to A substitution at nucleotide position 649. The aspartic acid at codon 217 is replaced by asparagine, an amino acid with highly similar properties. This variant was not reported in population-based cohorts in the Genome Aggregation Database (gnomAD). This amino acid position is well conserved in available vertebrate species. In addition, this alteration is predicted to be tolerated by in silico analysis. Since supporting evidence is limited at this time, the clinical significance of this alteration remains unclear.